The following is an entry in ClinVar:

ClinVar aggregate classification (germline): Uncertain significance (1 of 4 stars; one submission).

Submission:

CeGaT Center for Human Genetics Tuebingen
Classification: Uncertain significance. Last evaluated: 2025-10-01. Review status: criteria provided, single submitter. Criteria: CeGaT Center For Human Genetics Tuebingen Variant Classification Criteria Version 2. Collection method: clinical testing. Allele origin: germline. Affected: yes. Observed: 1 variant allele.
Comment: CHD5: PM2, PP2, PP3

NM_015557.3(CHD5):c.2923G>T (p.Gly975Trp)

Gene: CHD5 (chromodomain helicase DNA binding protein 5; minus strand). Cytogenetic location: 1p36.31.
Variant type: single nucleotide variant.
Coding change: c.2923G>T on transcript NM_015557.3 (MANE Select); coding-DNA position 2923, G replaced by T.
Protein change: p.Gly975Trp; replaces glycine 975 with tryptophan.
Molecular consequence: missense variant.
Genome position (GRCh38, 1-based): chr1:6,134,807, C>A on the plus strand (G>T on the coding strand, the complement: CHD5 is on the minus strand). VCF-style: chr1-6134807-C-A. GRCh37 (hg19) VCF-style: chr1-6194867-C-A.
Other names: short protein forms G975W.
Identifiers: ClinVar variation 4534972 (VCV004534972.6).